The following is an entry in ClinVar:

NM_017514.5(PLXNA3):c.1054C>T (p.Arg352Cys)

Gene: PLXNA3 (plexin A3; plus strand). Cytogenetic location: Xq28.
Variant type: single nucleotide variant.
Coding change: c.1054C>T on transcript NM_017514.5 (MANE Select); coding-DNA position 1054, C replaced by T.
Protein change: p.Arg352Cys; replaces arginine 352 with cysteine.
Molecular consequence: missense variant.
Genome position (GRCh38, 1-based): chrX:154,461,558, C>T. VCF-style: chrX-154461558-C-T. GRCh37 (hg19) VCF-style: chrX-153689898-C-T.
Other names: short protein forms R352C.
Identifiers: ClinVar variation 4999440 (VCV004999440.1).

ClinVar aggregate classification (germline): Uncertain significance (1 of 4 stars; one submission).

Conditions:
PLXNA3-related disorder. Also called: PLXNA3-related condition.

gnomAD v4.1: 4 of 1,209,363 alleles (0.00033%); highest among the groups gnomAD compares: African/African-American, 0.0034%; no homozygotes.

Submission:

PreventionGenetics, part of Exact Sciences
Classification: Uncertain significance for PLXNA3-related condition. Last evaluated: 2025-01-18. Review status: criteria provided, single submitter. Criteria: ACMG Guidelines, 2015. Collection method: clinical testing. Allele origin: germline.
Comment: The PLXNA3 c.1054C>T variant is predicted to result in the amino acid substitution p.Arg352Cys. This variant was reported in a large cohort of individuals with neurodevelopmental disorders (Zhang et al. 2021. PubMed ID: 33860439). This variant has not been reported in a large population database (gnomAD), indicating this variant is rare. At this time, the clinical significance of this variant is uncertain due to the absence of conclusive functional and genetic evidence.